The following is an entry in ClinVar:

ClinVar aggregate classification (germline): Uncertain significance (1 of 4 stars; one submission).

Conditions:
Inborn genetic diseases. Identifiers: MedGen C0950123, MeSH D030342.

gnomAD v4.1: 5 of 1,613,686 alleles (0.00031%); highest among the groups gnomAD compares: African/African-American, 0.0013%; no homozygotes.

Submission:

Ambry Genetics
Classification: Uncertain significance for Inborn genetic diseases. Last evaluated: 2025-10-17. Review status: criteria provided, single submitter. Criteria: Ambry Variant Classification Scheme 2023. Collection method: clinical testing. Allele origin: germline.
Comment: The p.D351N variant (also known as c.1051G>A), located in coding exon 10 of the DDX41 gene, results from a G to A substitution at nucleotide position 1051. The aspartic acid at codon 351 is replaced by asparagine, an amino acid with highly similar properties. This amino acid position is highly conserved in available vertebrate species. In addition, the in silico prediction for this alteration is inconclusive. Based on the available evidence, the clinical significance of this variant remains unclear.

NM_016222.4(DDX41):c.1051G>A (p.Asp351Asn)

Gene: DDX41 (DEAD-box helicase 41; minus strand). Cytogenetic location: 5q35.3.
Variant type: single nucleotide variant.
Coding change: c.1051G>A on transcript NM_016222.4 (MANE Select); coding-DNA position 1051, G replaced by A.
Protein change: p.Asp351Asn; replaces aspartic acid 351 with asparagine.
Molecular consequence: missense variant.
Genome position (GRCh38, 1-based): chr5:177,513,732, C>T on the plus strand (G>A on the coding strand, the complement: DDX41 is on the minus strand). VCF-style: chr5-177513732-C-T. GRCh37 (hg19) VCF-style: chr5-176940733-C-T.
Other names: c.673G>A, p.Asp225Asn (NM_001321732.2, NM_001321830.2); short protein forms D351N, D225N.
Identifiers: ClinVar variation 4617146 (VCV004617146.1).
Genomic context (GRCh38, chr5:177,513,732, plus strand): 5'-GCGGGGGCGGCACCTTGAAGTAGGAGAAGATGGTACGGATGTCACCCTCGAAGCCCATGT[C>T]GATCATGCGGTCAGCCTCGTCCAGGGCCAGGTAGCGACAGATGTCTAGGCTGACCATCTT-3'
Protein context (NP_057306.2, residues 341-361): LALDEADRMI[Asp351Asn]MGFEGDIRTI